The following is an entry in ClinVar:

NM_001356.5(DDX3X):c.659T>C (p.Leu220Ser)

Gene: DDX3X (DEAD-box helicase 3 X-linked; plus strand). Cytogenetic location: Xp11.4.
Variant type: single nucleotide variant.
Coding change: c.659T>C on transcript NM_001356.5 (MANE Select); coding-DNA position 659, T replaced by C.
Protein change: p.Leu220Ser; replaces leucine 220 with serine.
Molecular consequence: missense variant. On other transcripts: non-coding transcript variant (1).
Genome position (GRCh38, 1-based): chrX:41,343,331, T>C. VCF-style: chrX-41343331-T-C. GRCh37 (hg19) VCF-style: chrX-41202584-T-C.
Other names: c.659T>C, p.Leu220Ser (NM_001193416.3); c.611T>C, p.Leu204Ser (NM_001193417.3); c.101T>C, p.Leu34Ser (NM_001363819.1); short protein forms L220S, L204S, L34S.
Identifiers: ClinVar variation 423442 (VCV000423442.2), dbSNP rs1064796429, ClinGen allele CA16621382.
Genomic context (GRCh38, chrX:41,343,331, plus strand): 5'-ATACTCGCCCAACTCCAGTGCAAAAGCATGCTATTCCTATTATCAAAGAGAAAAGAGACT[T>C]GATGGCTTGTGCCCAAACAGGTAAGCTCAACTCATAAGAGTAAAACATCATATTTCTTCT-3'
Protein context (NP_001347.3, residues 210-230): AIPIIKEKRD[Leu220Ser]MACAQTGSGK

ClinVar aggregate classification (germline): Pathogenic (1 of 4 stars; one submission).

Submission:

GeneDx
Classification: Pathogenic. Last evaluated: 2017-03-08. Review status: criteria provided, single submitter. Criteria: GeneDx Variant Classification (06012015). Collection method: clinical testing. Allele origin: germline. Affected: yes.
Comment: The L220S variant in the DDX3X gene has not been reported previously as a pathogenic variant, nor as a benign variant, to our knowledge. The L220S variant is not observed in large population cohorts (Lek et al., 2016; 1000 Genomes Consortium et al., 2015; Exome Variant Server). The L220S variant is a non-conservative amino acid substitution, which is likely to impact secondary protein structure as these residues differ in polarity, charge, size and/or other properties. This substitution occurs at a position that is conserved across species and is within the helicase ATP-binding domain, a functionally important region of the protein. In silico analysis predicts this variant is probably damaging to the protein structure/function. Therefore, we interpret L220S as a pathogenic variant